The following is an entry in ClinVar:

ClinVar aggregate classification (germline): Uncertain significance (1 of 4 stars; one submission).

Submission:

GeneDx
Classification: Uncertain significance. Last evaluated: 2023-12-27. Review status: criteria provided, single submitter. Criteria: GeneDx Variant Classification Process June 2021. Collection method: clinical testing. Allele origin: germline. Affected: yes.
Comment: Not observed at significant frequency in large population cohorts (gnomAD); In silico analysis supports that this missense variant does not alter protein structure/function; Has not been previously published as pathogenic or benign to our knowledge

NM_000552.5(VWF):c.1491C>A (p.Asp497Glu)

Gene: VWF (von Willebrand factor; minus strand). Cytogenetic location: 12p13.31.
Variant type: single nucleotide variant.
Coding change: c.1491C>A on transcript NM_000552.5 (MANE Select); coding-DNA position 1491, C replaced by A.
Protein change: p.Asp497Glu; replaces aspartic acid 497 with glutamic acid.
Molecular consequence: missense variant.
Genome position (GRCh38, 1-based): chr12:6,062,996, G>T on the plus strand (C>A on the coding strand, the complement: VWF is on the minus strand). VCF-style: chr12-6062996-G-T. GRCh37 (hg19) VCF-style: chr12-6172162-G-T.
Other names: short protein forms D497E.
Identifiers: ClinVar variation 3370025 (VCV003370025.1).
Genomic context (GRCh38, chr12:6,062,996, plus strand): 5'-CCCCGTGAGGGCACCTACCTTCACCAGCAGCCTCCCGCGGCCATCCCAGTCCATCTGCAG[G>T]TCCTCCCCGTAGCTGAGGCGCACGGAGGCCGTCACTGTATGCTGGATGCGGAGGTCACCT-3'
Protein context (NP_000543.3, residues 487-507): TASVRLSYGE[Asp497Glu]LQMDWDGRGR